The following is an entry in ClinVar:

NM_004612.4(TGFBR1):c.86C>T (p.Pro29Leu)

Gene: TGFBR1 (transforming growth factor beta receptor 1; plus strand). Cytogenetic location: 9q22.33.
Variant type: single nucleotide variant.
Coding change: c.86C>T on transcript NM_004612.4 (MANE Select); coding-DNA position 86, C replaced by T.
Protein change: p.Pro29Leu; replaces proline 29 with leucine.
Molecular consequence: missense variant. On other transcripts: 5 prime UTR variant (5), non-coding transcript variant (4), intron variant (8).
Genome position (GRCh38, 1-based): chr9:99,105,291, C>T. VCF-style: chr9-99105291-C-T. GRCh37 (hg19) VCF-style: chr9-101867573-C-T.
Other names: c.86C>T, p.Pro29Leu (NM_001130916.3, NM_001306210.2, NM_001407416.1 and 5 more transcripts); c.-258C>T (NM_001407420.1, NM_001407429.1); c.-227C>T (NM_001407422.1, NM_001407426.1); c.-182C>T (NM_001407428.1); c.-111+1550C>T (NM_001407418.1, NM_001407423.1); c.-111+1185C>T (NM_001407424.1); c.-111+772C>T (NM_001407425.1); c.-111+565C>T (NM_001407434.1); and 3 more; short protein forms P29L.
Identifiers: ClinVar variation 3721056 (VCV003721056.3).

ClinVar aggregate classification (germline): Uncertain significance. Review status: criteria provided, multiple submitters, no conflicts (2 of 4 stars). 2 submissions from 2 submitters: Uncertain significance (2). Last evaluated 2025-05-24.

Conditions:
Familial thoracic aortic aneurysm and aortic dissection (TAAD). Also called: Thoracic aortic aneurysms and dissections. Identifiers: Orphanet 91387, MedGen C4707243, MONDO:0019625.

gnomAD v4.1: 1 of 991,544 alleles (0.0001%); highest among the groups gnomAD compares: African/African-American, 0.0018%; no homozygotes.

Submissions (2):

Ambry Genetics
Classification: Uncertain significance for Familial thoracic aortic aneurysm and aortic dissection. Last evaluated: 2025-05-24. Review status: criteria provided, single submitter. Criteria: Ambry Variant Classification Scheme 2023. Collection method: clinical testing. Allele origin: germline.
Comment: The p.P29L variant (also known as c.86C>T), located in coding exon 1 of the TGFBR1 gene, results from a C to T substitution at nucleotide position 86. The proline at codon 29 is replaced by leucine, an amino acid with similar properties. This amino acid position is conserved. In addition, this alteration is predicted to be tolerated by in silico analysis. Based on the available evidence, the clinical significance of this variant remains unclear.

Labcorp Genetics (formerly Invitae), Labcorp
Classification: Uncertain significance for Familial thoracic aortic aneurysm and aortic dissection. Last evaluated: 2024-09-29. Review status: criteria provided, single submitter. Criteria: Invitae Variant Classification Sherloc (09022015). Collection method: clinical testing. Allele origin: germline.
Comment: This sequence change replaces proline, which is neutral and non-polar, with leucine, which is neutral and non-polar, at codon 29 of the TGFBR1 protein (p.Pro29Leu). The frequency data for this variant in the population databases is considered unreliable, as metrics indicate insufficient coverage at this position in the gnomAD database. This variant has not been reported in the literature in individuals affected with TGFBR1-related conditions. Invitae Evidence Modeling of protein sequence and biophysical properties (such as structural, functional, and spatial information, amino acid conservation, physicochemical variation, residue mobility, and thermodynamic stability) indicates that this missense variant is not expected to disrupt TGFBR1 protein function with a negative predictive value of 95%. In summary, the available evidence is currently insufficient to determine the role of this variant in disease. Therefore, it has been classified as a Variant of Uncertain Significance.